The following is an entry in ClinVar:

NM_152309.3(PIK3AP1):c.1436C>T (p.Ala479Val)

Gene: PIK3AP1 (phosphoinositide-3-kinase adaptor protein 1; minus strand). Cytogenetic location: 10q24.1.
Variant type: single nucleotide variant.
Coding change: c.1436C>T on transcript NM_152309.3 (MANE Select); coding-DNA position 1436, C replaced by T.
Protein change: p.Ala479Val; replaces alanine 479 with valine.
Molecular consequence: missense variant.
Genome position (GRCh38, 1-based): chr10:96,628,433, G>A on the plus strand (C>T on the coding strand, the complement: PIK3AP1 is on the minus strand). VCF-style: chr10-96628433-G-A. GRCh37 (hg19) VCF-style: chr10-98388190-G-A.
Other names: short protein forms A479V.
Identifiers: ClinVar variation 2751986 (VCV002751986.3), dbSNP rs1843182743, ClinGen allele CA377756630.

ClinVar aggregate classification (germline): Uncertain significance (1 of 4 stars; one submission).

Conditions:
Infantile spasms. Also called: Infantile spasm. Identifiers: MedGen C3887898, HP:0012469.

Submission:

Labcorp Genetics (formerly Invitae), Labcorp
Classification: Uncertain significance for Infantile spasms. Last evaluated: 2025-01-06. Review status: criteria provided, single submitter. Criteria: Invitae Variant Classification Sherloc (09022015). Collection method: clinical testing. Allele origin: germline.
Comment: This sequence change replaces alanine, which is neutral and non-polar, with valine, which is neutral and non-polar, at codon 479 of the PIK3AP1 protein (p.Ala479Val). This variant is not present in population databases (gnomAD no frequency). This variant has not been reported in the literature in individuals affected with PIK3AP1-related conditions. ClinVar contains an entry for this variant (Variation ID: 2751986). An algorithm developed to predict the effect of missense changes on protein structure and function (PolyPhen-2) suggests that this variant is likely to be tolerated. In summary, the available evidence is currently insufficient to determine the role of this variant in disease. Therefore, it has been classified as a Variant of Uncertain Significance.